The following is an entry in ClinVar:

NM_018139.3(DNAAF2):c.1969C>T (p.Leu657Phe)

Gene: DNAAF2 (dynein axonemal assembly factor 2; minus strand). Cytogenetic location: 14q21.3.
Variant type: single nucleotide variant.
Coding change: c.1969C>T on transcript NM_018139.3 (MANE Select); coding-DNA position 1969, C replaced by T.
Protein change: p.Leu657Phe; replaces leucine 657 with phenylalanine.
Molecular consequence: missense variant. On other transcripts: intron variant (2).
Genome position (GRCh38, 1-based): chr14:49,628,050, G>A on the plus strand (C>T on the coding strand, the complement: DNAAF2 is on the minus strand). VCF-style: chr14-49628050-G-A. GRCh37 (hg19) VCF-style: chr14-50094768-G-A.
Other names: c.1864-2002C>T (NM_001083908.2); c.-204-2002C>T (NM_001378453.1); short protein forms L657F.
Identifiers: ClinVar variation 411167 (VCV000411167.13), dbSNP rs187863107, ClinGen allele CA7172784.

ClinVar aggregate classification (germline): Conflicting classifications of pathogenicity. Review status: criteria provided, conflicting classifications (1 of 4 stars). 4 submissions from 4 submitters: Uncertain significance (3); Likely benign (1). Last evaluated 2023-12-31.

Conditions:
Primary ciliary dyskinesia. Also called: Ciliary dyskinesia. Identifiers: Orphanet 244, MedGen C0008780, MONDO:0016575, HP:0012265.
Primary ciliary dyskinesia 10. Also called: CILIARY DYSKINESIA, PRIMARY, 10, WITH OR WITHOUT SITUS INVERSUS. Identifiers: Orphanet 244, MedGen C2675867, MONDO:0012918, OMIM 612518.

Allele frequency attached by ClinVar (database versions not stated): gnomAD 0.00008; gnomAD exomes 0.00010 and 0.00024; TOPMed 0.00013; 1000 Genomes Project 30x 0.00016; 1000 Genomes Project 0.00020; ExAC 0.00021.

Submissions (4):

Labcorp Genetics (formerly Invitae), Labcorp
Classification: Uncertain significance for Primary ciliary dyskinesia. Last evaluated: 2023-12-31. Review status: criteria provided, single submitter. Criteria: Invitae Variant Classification Sherloc (09022015). Collection method: clinical testing. Allele origin: germline.
Comment: This sequence change replaces leucine, which is neutral and non-polar, with phenylalanine, which is neutral and non-polar, at codon 657 of the DNAAF2 protein (p.Leu657Phe). This variant is present in population databases (rs187863107, gnomAD 0.2%). This variant has not been reported in the literature in individuals affected with DNAAF2-related conditions. ClinVar contains an entry for this variant (Variation ID: 411167). Advanced modeling of protein sequence and biophysical properties (such as structural, functional, and spatial information, amino acid conservation, physicochemical variation, residue mobility, and thermodynamic stability) performed at Invitae indicates that this missense variant is expected to disrupt DNAAF2 protein function with a positive predictive value of 80%. Algorithms developed to predict the effect of sequence changes on RNA splicing suggest that this variant may disrupt the consensus splice site. In summary, the available evidence is currently insufficient to determine the role of this variant in disease. Therefore, it has been classified as a Variant of Uncertain Significance.

ARUP Laboratories, Molecular Genetics and Genomics, ARUP Laboratories
Classification: Uncertain significance for Primary ciliary dyskinesia 10. Last evaluated: 2023-10-12. Review status: criteria provided, single submitter. Criteria: ARUP Molecular Germline Variant Investigation Process 2024. Collection method: clinical testing. Allele origin: germline.
Comment: The DNAAF2 c.1969C>T; p.Leu657Phe variant (rs187863107), to our knowledge, is not reported in the medical literature but is reported in ClinVar (Variation ID: 411167). This variant is found in the Latino/Admixed American population with an allele frequency of 0.18% (50/28,408 alleles) in the Genome Aggregation Database. Computational analyses predict that this variant is neutral (REVEL: 0.123). However, given the lack of clinical and functional data, the significance of this variant is uncertain at this time.

Ambry Genetics
Classification: Likely benign for Primary ciliary dyskinesia. Last evaluated: 2021-07-22. Review status: criteria provided, single submitter. Criteria: Ambry Variant Classification Scheme 2023. Collection method: clinical testing. Allele origin: germline.

Fulgent Genetics
Classification: Uncertain significance for Primary ciliary dyskinesia 10. Last evaluated: 2018-10-31. Review status: criteria provided, single submitter. Criteria: ACMG Guidelines, 2015. Collection method: clinical testing. Allele origin: unknown.